The following is an entry in ClinVar:

NM_007294.4(BRCA1):c.3582C>T (p.Thr1194=)

Genes: BRCA1 (BRCA1 DNA repair associated; minus strand), LOC126862571 (BRD4-independent group 4 enhancer GRCh37_chr17:41243136-41244335; plus strand). Cytogenetic location: 17q21.31.
Variant type: single nucleotide variant.
Coding change: c.3582C>T on transcript NM_007294.4 (MANE Select); coding-DNA position 3582, C replaced by T.
Protein change: p.Thr1194=; no amino-acid change (threonine 1194 retained).
Molecular consequence: synonymous variant. On other transcripts: intron variant (135).
Genome position (GRCh38, 1-based): chr17:43,091,949, G>A on the plus strand (C>T on the coding strand, the complement: BRCA1 is on the minus strand). VCF-style: chr17-43091949-G-A. GRCh37 (hg19) VCF-style: chr17-41243966-G-A.
Other names: c.3369C>T, p.Thr1123= (NM_001407571.1, NM_001407853.1, NM_001407894.1 and 9 more transcripts); c.3582C>T, p.Thr1194= (NM_001407581.1, NM_001407582.1, NM_001407583.1 and 30 more transcripts); c.3579C>T, p.Thr1193= (NM_001407587.1, NM_001407590.1, NM_001407591.1 and 22 more transcripts); c.3573C>T, p.Thr1191= (NM_001407646.1, NM_001407647.1); c.3459C>T, p.Thr1153= (NM_001407648.1, NM_001407664.1, NM_001407665.1 and 19 more transcripts); c.3456C>T, p.Thr1152= (NM_001407649.1, NM_001407670.1, NM_001407671.1 and 11 more transcripts); c.3504C>T, p.Thr1168= (NM_001407653.1, NM_001407654.1, NM_001407655.1 and 4 more transcripts); c.3501C>T, p.Thr1167= (NM_001407659.1, NM_001407660.1, NM_001407661.1 and 1 more transcripts); and 41 more.
Identifiers: ClinVar variation 186138 (VCV000186138.8), dbSNP rs786202722, ClinGen allele CA002283.

ClinVar aggregate classification (germline): Likely benign. Review status: reviewed by expert panel (3 of 4 stars). 2 submissions from 2 submitters: Likely benign (1). 1 of the submissions does not count toward it. Last evaluated 2017-06-29.

Conditions:
Breast-ovarian cancer, familial, susceptibility to, 1 (BROVCA1). Also called: OVARIAN CANCER, SUSCEPTIBILITY TO; BRCA1 Hereditary Breast and Ovarian Cancer. Identifiers: Orphanet 145, MedGen C2676676, MONDO:0011450, OMIM 604370. Disease mechanism: loss of function.
Hereditary cancer-predisposing syndrome. Also called: Hereditary Cancer Syndrome; Hereditary neoplastic syndrome; Tumor predisposition; Neoplastic Syndromes, Hereditary. Identifiers: Orphanet 140162, MedGen C0027672, MeSH D009386, MONDO:0015356.

Submissions (2):

Evidence-based Network for the Interpretation of Germline Mutant Alleles (ENIGMA)
Classification: Likely benign for Breast-ovarian cancer, familial, susceptibility to, 1. Last evaluated: 2017-06-29. Review status: reviewed by expert panel. Criteria: ENIGMA BRCA1/2 Classification Criteria (2017-06-29). Collection method: curation. Allele origin: germline.
Comment: Synonymous substitution variant, with low bioinformatic likelihood to result in a splicing aberration (Splicing prior probability 0.02).

Ambry Genetics
Classification: Likely benign for Hereditary cancer-predisposing syndrome. Last evaluated: 2014-08-27. Review status: criteria provided, single submitter. Criteria: Ambry Variant Classification Scheme 2023. Collection method: clinical testing. Allele origin: germline. Not counted in ClinVar's aggregate classification.